The following is an entry in ClinVar:

ClinVar aggregate classification (germline): Likely pathogenic. Review status: criteria provided, single submitter (1 of 4 stars). 2 submissions from 2 submitters: Likely pathogenic (1). 1 of the submissions does not count toward it. Last evaluated 2025-09-22.

Conditions:
NEUROD1-related disorder. Also called: NEUROD1-related condition.

Submissions (2):

Genetic Services Laboratory, University of Chicago
Classification: Likely pathogenic. Last evaluated: 2025-09-22. Review status: criteria provided, single submitter. Criteria: ACMG Guidelines, 2015. Collection method: clinical testing. Allele origin: germline.
Comment: DNA sequence analysis of the NEUROD1 gene demonstrated a sequence change, c.341T>A, in exon 2 that results in an amino acid change, p.Met114Lys. The p.Met114Lys change affects a highly conserved amino acid residue located in the basic helix-loop-helix (bHLH) domain of the NEUROD1 protein that is known to be functional. To date, the majority of reported pathogenic sequence changes in NEUROD1 are within the bHLH domain (PMID: 30793219). The p.Met114Lys substitution appears to be deleterious using several in-silico pathogenicity prediction tools (SIFT, PolyPhen2, Align GVGD, REVEL). This particular amino acid change does not appear to have been described in the literature in other individuals with NEUROD1-related disorders. However, a different pathogenic sequence change affecting the same amino acid residue (p.Met114Leu) has been described in individuals with NEUROD1-related MODY (PMID: 34654408, 32184107). This sequence change has not been described in population databases such as ExAC and gnomAD. This collective evidence indicates that this sequence change is the likely cause of this individual's phenotype, however functional studies have not been performed to prove this conclusively.

PreventionGenetics, part of Exact Sciences
Classification: Uncertain significance for NEUROD1-related condition. Last evaluated: 2024-01-12. Review status: no assertion criteria provided. Collection method: clinical testing. Allele origin: germline. Not counted in ClinVar's aggregate classification.
Comment: The NEUROD1 c.341T>A variant is predicted to result in the amino acid substitution p.Met114Lys. To our knowledge, this variant has not been reported in the literature or in a large population database, indicating this variant is rare. An alternate nucleotide change affecting the same amino acid (p.Met114Leu), has been reported in individuals with MODY (Bouillet et al. 2020. PubMed ID: 32184107; Brodosi et al. 2021. PubMed ID: 34654408). Although we suspect that this variant may be pathogenic, at this time, the clinical significance of this variant is uncertain due to the absence of conclusive functional and genetic evidence.

NM_002500.5(NEUROD1):c.341T>A (p.Met114Lys)

Gene: NEUROD1 (neuronal differentiation 1; minus strand). Cytogenetic location: 2q31.3.
Variant type: single nucleotide variant.
Coding change: c.341T>A on transcript NM_002500.5 (MANE Select); coding-DNA position 341, T replaced by A.
Protein change: p.Met114Lys; replaces methionine 114 with lysine.
Molecular consequence: missense variant.
Genome position (GRCh38, 1-based): chr2:181,678,520, A>T on the plus strand (T>A on the coding strand, the complement: NEUROD1 is on the minus strand). VCF-style: chr2-181678520-A-T. GRCh37 (hg19) VCF-style: chr2-182543247-A-T.
Other names: short protein forms M114K.
Identifiers: ClinVar variation 3033670 (VCV003033670.5), dbSNP rs2468610661, ClinGen allele CA349785905.
Genomic context (GRCh38, chr2:181,678,520, plus strand): 5'-GTCTTAGAATAGCAAGGCACCACCTTGCGCAGGTTGTCTAGCGCCGCGTTCAGTCCGTGC[A>T]TGCGGTTCCGCTCCCGGGCGTTAGCCTTCATGCGTCTCAATTTAAAACGCTCCAGGCGAG-3'
Protein context (NP_002491.3, residues 104-124): MKANARERNR[Met114Lys]HGLNAALDNL